The following is an entry in ClinVar:

NM_030665.4(RAI1):c.4413G>A (p.Pro1471=)

Gene: RAI1 (retinoic acid induced 1; plus strand). Cytogenetic location: 17p11.2.
Variant type: single nucleotide variant.
Coding change: c.4413G>A on transcript NM_030665.4 (MANE Select); coding-DNA position 4413, G replaced by A.
Protein change: p.Pro1471=; no amino-acid change (proline 1471 retained).
Molecular consequence: synonymous variant.
Genome position (GRCh38, 1-based): chr17:17,797,361, G>A. VCF-style: chr17-17797361-G-A. GRCh37 (hg19) VCF-style: chr17-17700675-G-A.
Other names: c.4413G>A (NM_030665.3).
Identifiers: ClinVar variation 1503369 (VCV001503369.7), dbSNP rs767398695, ClinGen allele CA8418958.

ClinVar aggregate classification (germline): Likely benign. Review status: criteria provided, multiple submitters, no conflicts (2 of 4 stars). 2 submissions from 2 submitters: Likely benign (2). Last evaluated 2026-01-17.

Conditions:
RAI1-related disorder. Also called: RAI1-related condition.

Allele frequency attached by ClinVar (database versions not stated): gnomAD 0.00003; gnomAD exomes 0.00004; TOPMed 0.00004.
gnomAD v4.1: 55 of 1,612,278 alleles (0.0034%); highest among the groups gnomAD compares: Middle Eastern, 0.017%; no homozygotes.

Submissions (2):

Labcorp Genetics (formerly Invitae), Labcorp
Classification: Likely benign. Last evaluated: 2026-01-17. Review status: criteria provided, single submitter. Criteria: Invitae Variant Classification Sherloc (09022015). Collection method: clinical testing. Allele origin: germline.

PreventionGenetics, part of Exact Sciences
Classification: Likely benign for RAI1-related condition. Last evaluated: 2024-11-19. Review status: criteria provided, single submitter. Criteria: ACMG Guidelines, 2015. Collection method: clinical testing. Allele origin: germline.
Comment: This variant is classified as likely benign based on ACMG/AMP sequence variant interpretation guidelines (Richards et al. 2015 PMID: 25741868, with internal and published modifications).